The following is an entry in ClinVar:

ClinVar aggregate classification (germline): Uncertain significance (1 of 4 stars; one submission).

Submission:

Labcorp Genetics (formerly Invitae), Labcorp
Classification: Uncertain significance. Last evaluated: 2025-06-18. Review status: criteria provided, single submitter. Criteria: Invitae Variant Classification Sherloc (09022015). Collection method: clinical testing. Allele origin: germline.
Comment: This sequence change replaces methionine, which is neutral and non-polar, with leucine, which is neutral and non-polar, at codon 1116 of the A2ML1 protein (p.Met1116Leu). This variant is present in population databases (rs79889829, gnomAD 0.04%). This variant has not been reported in the literature in individuals affected with A2ML1-related conditions. ClinVar contains an entry for this variant (Variation ID: 2194623). An algorithm developed to predict the effect of missense changes on protein structure and function (PolyPhen-2) suggests that this variant is likely to be tolerated. In summary, the available evidence is currently insufficient to determine the role of this variant in disease. Therefore, it has been classified as a Variant of Uncertain Significance.

NM_144670.6(A2ML1):c.3346A>T (p.Met1116Leu)

Gene: A2ML1 (alpha-2-macroglobulin like 1; plus strand). Cytogenetic location: 12p13.31.
Variant type: single nucleotide variant.
Coding change: c.3346A>T on transcript NM_144670.6 (MANE Select); coding-DNA position 3346, A replaced by T.
Protein change: p.Met1116Leu; replaces methionine 1116 with leucine.
Molecular consequence: missense variant.
Genome position (GRCh38, 1-based): chr12:8,861,141, A>T. VCF-style: chr12-8861141-A-T. GRCh37 (hg19) VCF-style: chr12-9013737-A-T.
Other names: c.1873A>T, p.Met625Leu (NM_001282424.3); short protein forms M1116L, M625L.
Identifiers: ClinVar variation 2194623 (VCV002194623.4), dbSNP rs79889829, ClinGen allele CA6436360.